The following is an entry in ClinVar:

ClinVar aggregate classification (germline): Uncertain significance (1 of 4 stars; one submission).

Allele frequency attached by ClinVar (database versions not stated): gnomAD exomes below 0.00001 and 0.00001; ExAC 0.00001; gnomAD 0.00001; TOPMed 0.00001.
gnomAD v4.1: 4 of 1,613,938 alleles (0.00025%); highest among the groups gnomAD compares: Non-Finnish European, 0.00034%; no homozygotes.

Submission:

Labcorp Genetics (formerly Invitae), Labcorp
Classification: Uncertain significance. Last evaluated: 2021-09-05. Review status: criteria provided, single submitter. Criteria: Invitae Variant Classification Sherloc (09022015). Collection method: clinical testing. Allele origin: germline.
Comment: Advanced modeling of protein sequence and biophysical properties (such as structural, functional, and spatial information, amino acid conservation, physicochemical variation, residue mobility, and thermodynamic stability) performed at Invitae indicates that this missense variant is not expected to disrupt FAT4 protein function. This variant has not been reported in the literature in individuals affected with FAT4-related conditions. This variant is present in population databases (rs751560462, ExAC 0.002%). This sequence change replaces glutamine with histidine at codon 217 of the FAT4 protein (p.Gln217His). The glutamine residue is highly conserved and there is a small physicochemical difference between glutamine and histidine. In summary, the available evidence is currently insufficient to determine the role of this variant in disease. Therefore, it has been classified as a Variant of Uncertain Significance.

NM_001291303.3(FAT4):c.651G>C (p.Gln217His)

Gene: FAT4 (FAT atypical cadherin 4; plus strand). Cytogenetic location: 4q28.1.
Variant type: single nucleotide variant.
Coding change: c.651G>C on transcript NM_001291303.3 (MANE Select); coding-DNA position 651, G replaced by C.
Protein change: p.Gln217His; replaces glutamine 217 with histidine.
Molecular consequence: missense variant.
Genome position (GRCh38, 1-based): chr4:125,317,062, G>C. VCF-style: chr4-125317062-G-C. GRCh37 (hg19) VCF-style: chr4-126238217-G-C.
Other names: c.651G>C, p.Gln217His (NM_001291285.3, NM_024582.6); short protein forms Q217H.
Identifiers: ClinVar variation 1517536 (VCV001517536.6), dbSNP rs751560462, ClinGen allele CA3071841.